The following is an entry in ClinVar:

NM_006361.6(HOXB13):c.515G>A (p.Trp172Ter)

Gene: HOXB13 (homeobox B13; minus strand). Cytogenetic location: 17q21.32.
Variant type: single nucleotide variant.
Coding change: c.515G>A on transcript NM_006361.6 (MANE Select); coding-DNA position 515, G replaced by A.
Protein change: p.Trp172Ter; replaces tryptophan 172 with a stop codon.
Molecular consequence: nonsense.
Genome position (GRCh38, 1-based): chr17:48,728,079, C>T on the plus strand (G>A on the coding strand, the complement: HOXB13 is on the minus strand). VCF-style: chr17-48728079-C-T. GRCh37 (hg19) VCF-style: chr17-46805441-C-T.
Other names: short protein forms W172*.
Identifiers: ClinVar variation 1745716 (VCV001745716.4), dbSNP rs1597933929, ClinGen allele CA400107290.

ClinVar aggregate classification (germline): Uncertain significance. Review status: criteria provided, multiple submitters, no conflicts (2 of 4 stars). 2 submissions from 2 submitters: Uncertain significance (2). Last evaluated 2024-05-29.

Conditions:
Hereditary cancer-predisposing syndrome. Also called: Hereditary Cancer Syndrome; Neoplastic Syndromes, Hereditary; Tumor predisposition; Hereditary neoplastic syndrome. Identifiers: Orphanet 140162, MedGen C0027672, MeSH D009386, MONDO:0015356.

Allele frequency attached by ClinVar (database versions not stated): gnomAD exomes below 0.00001.
gnomAD v4.1: 1 of 1,614,212 alleles (0.000062%); highest among the groups gnomAD compares: South Asian, 0.0011%; no homozygotes.

Submissions (2):

Labcorp Genetics (formerly Invitae), Labcorp
Classification: Uncertain significance. Last evaluated: 2024-05-29. Review status: criteria provided, single submitter. Criteria: Invitae Variant Classification Sherloc (09022015). Collection method: clinical testing. Allele origin: germline.
Comment: This sequence change creates a premature translational stop signal (p.Trp172*) in the HOXB13 gene. It is expected to result in an absent or disrupted protein product. However, the current clinical and genetic evidence is not sufficient to establish whether loss-of-function variants in HOXB13 cause disease. This variant is not present in population databases (gnomAD no frequency). This variant has not been reported in the literature in individuals affected with HOXB13-related conditions. ClinVar contains an entry for this variant (Variation ID: 1745716). In summary, the available evidence is currently insufficient to determine the role of this variant in disease. Therefore, it has been classified as a Variant of Uncertain Significance.

Ambry Genetics
Classification: Uncertain significance for Hereditary cancer-predisposing syndrome. Last evaluated: 2020-03-26. Review status: criteria provided, single submitter. Criteria: Ambry Variant Classification Scheme 2023. Collection method: clinical testing. Allele origin: germline.
Comment: The p.W172* variant (also known as c.515G>A), located in coding exon 1 of the HOXB13 gene, results from a G to A substitution at nucleotide position 515. This changes the amino acid from a tryptophan to a stop codon within coding exon 1. This alteration is expected to result in loss of function by premature protein truncation or nonsense-mediated mRNA decay. However, loss of function of HOXB13 has not been clearly established as a mechanism of disease. Since supporting evidence is limited at this time, the clinical significance of this alteration remains unclear.